The following is an entry in ClinVar:

ClinVar aggregate classification (germline): Uncertain significance. Review status: criteria provided, multiple submitters, no conflicts (2 of 4 stars). 5 submissions from 5 submitters: Uncertain significance (4). 1 of the submissions does not count toward it. Last evaluated 2025-11-07.

Conditions:
Hematuria, benign familial, 2 (BFH2). Identifiers: MedGen C5830421, MONDO:0958186, OMIM 620320.
Alport syndrome 3b, autosomal recessive. Identifiers: MedGen C5882699, MONDO:0957811, OMIM 620536.
Autosomal dominant Alport syndrome (ATS3A). Also called: Alport syndrome dominant type; Renal failure and sensorineural hearing loss; ALPORT SYNDROME 3A, AUTOSOMAL DOMINANT. Identifiers: Orphanet 63, Orphanet 88918, MedGen C5882663, MONDO:0007086, OMIM 104200.
COL4A3-related disorder. Also called: COL4A3-related condition; COL4A3-Related Disorders.

Allele frequency attached by ClinVar (database versions not stated): 1000 Genomes Project 0.00020; 1000 Genomes Project 30x 0.00031.
gnomAD v4.1: 126 of 1,613,574 alleles (0.0078%); highest among the groups gnomAD compares: Middle Eastern, 0.066%; no homozygotes.

Submissions (5):

Women's Health and Genetics/Laboratory Corporation of America, LabCorp
Classification: Uncertain significance. Last evaluated: 2025-11-07. Review status: criteria provided, single submitter. Criteria: LabCorp Variant Classification Summary - May 2015. Collection method: clinical testing. Allele origin: germline.
Comment: Variant summary: COL4A3 c.686G>A (p.Arg229Gln) results in a conservative amino acid change in the encoded protein sequence. Algorithms developed to predict the effect of missense changes on protein structure and function all suggest that this variant is likely to be tolerated. Consensus agreement among computation tools predict no significant impact on normal splicing. However, these predictions have yet to be confirmed by functional studies. The variant allele was found at a frequency of 2.8e-05 in 249332 control chromosomes. The available data on variant occurrences in the general population are insufficient to allow any conclusion about variant significance. To our knowledge, no occurrence of c.686G>A in individuals affected with COL4A3-related conditions and no experimental evidence demonstrating its impact on protein function have been reported. ClinVar contains an entry for this variant (Variation ID: 2635519). Based on the evidence outlined above, the variant was classified as uncertain significance.

Labcorp Genetics (formerly Invitae), Labcorp
Classification: Uncertain significance. Last evaluated: 2024-07-24. Review status: criteria provided, single submitter. Criteria: Invitae Variant Classification Sherloc (09022015). Collection method: clinical testing. Allele origin: germline.
Comment: This sequence change replaces arginine, which is basic and polar, with glutamine, which is neutral and polar, at codon 229 of the COL4A3 protein (p.Arg229Gln). This variant is present in population databases (rs188942711, gnomAD 0.008%). This variant has not been reported in the literature in individuals affected with COL4A3-related conditions. ClinVar contains an entry for this variant (Variation ID: 2635519). An algorithm developed to predict the effect of missense changes on protein structure and function outputs the following: PolyPhen-2: "Benign". The glutamine amino acid residue is found in multiple mammalian species, which suggests that this missense change does not adversely affect protein function. In summary, the available evidence is currently insufficient to determine the role of this variant in disease. Therefore, it has been classified as a Variant of Uncertain Significance.

Fulgent Genetics
Classification: Uncertain significance for Autosomal dominant Alport syndrome; Hematuria, benign familial, 2; Alport syndrome 3b, autosomal recessive. Last evaluated: 2024-01-05. Review status: criteria provided, single submitter. Criteria: ACMG Guidelines, 2015. Collection method: clinical testing. Allele origin: germline.

Mayo Clinic Laboratories, Mayo Clinic
Classification: Uncertain significance. Last evaluated: 2022-07-12. Review status: criteria provided, single submitter. Criteria: ACMG Guidelines, 2015. Collection method: clinical testing. Allele origin: germline. Observed: 1 variant allele.
Comment: BP4, PM2

PreventionGenetics, part of Exact Sciences
Classification: Uncertain significance for COL4A3-related condition. Last evaluated: 2023-12-05. Review status: no assertion criteria provided. Collection method: clinical testing. Allele origin: germline. Not counted in ClinVar's aggregate classification.
Comment: The COL4A3 c.686G>A variant is predicted to result in the amino acid substitution p.Arg229Gln. To our knowledge, this variant has not been reported in the literature. This variant is reported in 0.0083% of alleles in individuals of African descent in gnomAD. The p.Arg229 residue is weakly conserved during evolution. Of note, a different substitution at the same codon defined as c.686G>T (p.Arg229Leu) is listed at the ClinVar database as a variant of uncertain significance. At this time, the clinical significance of the p.Arg229Gln variant in this patient is uncertain due to the absence of conclusive functional and genetic evidence.

NM_000091.5(COL4A3):c.686G>A (p.Arg229Gln)

Genes: COL4A3 (collagen type IV alpha 3 chain; plus strand), MFF-DT (MFF divergent transcript; minus strand). Cytogenetic location: 2q36.3.
Variant type: single nucleotide variant.
Coding change: c.686G>A on transcript NM_000091.5 (MANE Select); coding-DNA position 686, G replaced by A.
Protein change: p.Arg229Gln; replaces arginine 229 with glutamine.
Molecular consequence: missense variant.
Genome position (GRCh38, 1-based): chr2:227,253,336, G>A. VCF-style: chr2-227253336-G-A. GRCh37 (hg19) VCF-style: chr2-228118052-G-A.
Other names: p.Arg229Gln; short protein forms R229Q.
Identifiers: ClinVar variation 2635519 (VCV002635519.8), dbSNP rs188942711, ClinGen allele CA2146264.